The following is an entry in ClinVar:

NM_001042492.3(NF1):c.7344A>G (p.Glu2448=)

Gene: NF1 (neurofibromin 1; plus strand). Cytogenetic location: 17q11.2.
Variant type: single nucleotide variant.
Coding change: c.7344A>G on transcript NM_001042492.3 (MANE Select); coding-DNA position 7344, A replaced by G.
Protein change: p.Glu2448=; no amino-acid change (glutamic acid 2448 retained).
Molecular consequence: synonymous variant.
Genome position (GRCh38, 1-based): chr17:31,350,205, A>G. VCF-style: chr17-31350205-A-G. GRCh37 (hg19) VCF-style: chr17-29677223-A-G.
Other names: c.7281A>G, p.Glu2427= (NM_000267.4).
Identifiers: ClinVar variation 232860 (VCV000232860.14), dbSNP rs374234848, ClinGen allele CA8487561.

ClinVar aggregate classification (germline): Benign/Likely benign. Review status: criteria provided, multiple submitters, no conflicts (2 of 4 stars). 5 submissions from 5 submitters: Benign (1); Likely benign (4). Last evaluated 2026-05-21.

Conditions:
Hereditary cancer-predisposing syndrome. Also called: Hereditary neoplastic syndrome; Neoplastic Syndromes, Hereditary; Hereditary Cancer Syndrome; Tumor predisposition. Identifiers: Orphanet 140162, MedGen C0027672, MeSH D009386, MONDO:0015356.
Neurofibromatosis, type 1 (NF1). Also called: NEUROFIBROMATOSIS, TYPE I, SOMATIC; Neurofibromatosis, type I; VON RECKLINGHAUSEN DISEASE; Peripheral type neurofibromatosis. Identifiers: Orphanet 636, MedGen C0027831, MONDO:0018975, OMIM 162200. Disease mechanism: loss of function.

Allele frequency attached by ClinVar (database versions not stated): gnomAD exomes below 0.00001; TOPMed below 0.00001; ExAC 0.00001; ESP Exome Variant Server 0.00008.
gnomAD v4.1: 4 of 1,614,000 alleles (0.00025%); highest among the groups gnomAD compares: Admixed American, 0.0033%; no homozygotes.

Submissions (5):

Myriad Genetics, Inc.
Classification: Benign for Neurofibromatosis, type 1. Last evaluated: 2026-05-21. Review status: criteria provided, single submitter. Criteria: Myriad Autosomal Dominant, Autosomal Recessive and X-Linked Classification Criteria (2023). Collection method: clinical testing. Allele origin: unknown.
Comment: This variant is considered benign. This variant is a silent/synonymous amino acid change and it is not expected to impact splicing.

Labcorp Genetics (formerly Invitae), Labcorp
Classification: Likely benign for Neurofibromatosis, type 1. Last evaluated: 2025-11-09. Review status: criteria provided, single submitter. Criteria: Invitae Variant Classification Sherloc (09022015). Collection method: clinical testing. Allele origin: germline.

Genome-Nilou Lab
Classification: Likely benign for Neurofibromatosis, type 1. Last evaluated: 2022-03-15. Review status: criteria provided, single submitter. Criteria: ACMG Guidelines, 2015. Collection method: clinical testing. Allele origin: germline. Affected: no.

GeneDx
Classification: Likely benign. Last evaluated: 2017-07-07. Review status: criteria provided, single submitter. Criteria: GeneDx Variant Classification (06012015). Collection method: clinical testing. Allele origin: germline. Affected: yes.
Comment: This variant is considered likely benign or benign based on one or more of the following criteria: it is a conservative change, it occurs at a poorly conserved position in the protein, it is predicted to be benign by multiple in silico algorithms, and/or has population frequency not consistent with disease.

Ambry Genetics
Classification: Likely benign for Hereditary cancer-predisposing syndrome. Last evaluated: 2015-07-13. Review status: criteria provided, single submitter. Criteria: Ambry Autosomal Dominant and X-Linked criteria (10/2015). Collection method: clinical testing. Allele origin: germline. Observed: 1 variant allele.
Comment: In silico models in agreement (benign);Synonymous alterations with insufficient evidence to classify as benign